The following is an entry in ClinVar:

ClinVar aggregate classification (germline): Uncertain significance (1 of 4 stars; one submission).

Conditions:
Sterile multifocal osteomyelitis with periostitis and pustulosis. Also called: CHRONIC RECURRENT MULTIFOCAL OSTEOMYELITIS 2, WITH PERIOSTITIS AND PUSTULOSIS. Identifiers: Orphanet 210115, MedGen C2748507, MONDO:0013021, OMIM 612852.

Allele frequency attached by ClinVar (database versions not stated): gnomAD exomes below 0.00001 and 0.00001; TOPMed 0.00003.

Submission:

Labcorp Genetics (formerly Invitae), Labcorp
Classification: Uncertain significance for Sterile multifocal osteomyelitis with periostitis and pustulosis. Last evaluated: 2018-05-26. Review status: criteria provided, single submitter. Criteria: Invitae Variant Classification Sherloc (09022015). Collection method: clinical testing. Allele origin: germline.
Comment: In summary, the available evidence is currently insufficient to determine the role of this variant in disease. Therefore, it has been classified as a Variant of Uncertain Significance. Algorithms developed to predict the effect of missense changes on protein structure and function (SIFT, PolyPhen-2, Align-GVGD) all suggest that this variant is likely to be tolerated, but these predictions have not been confirmed by published functional studies and their clinical significance is uncertain. This variant has not been reported in the literature in individuals with IL1RN-related disease. This variant is not present in population databases (ExAC no frequency). This sequence change replaces methionine with isoleucine at codon 153 of the IL1RN protein (p.Met153Ile). The methionine residue is weakly conserved and there is a small physicochemical difference between methionine and isoleucine.

NM_173842.3(IL1RN):c.450G>A (p.Met150Ile)

Gene: IL1RN (interleukin 1 receptor antagonist; plus strand). Cytogenetic location: 2q14.1.
Variant type: single nucleotide variant.
Coding change: c.450G>A on transcript NM_173842.3 (MANE Select); coding-DNA position 450, G replaced by A.
Protein change: p.Met150Ile; replaces methionine 150 with isoleucine.
Molecular consequence: missense variant.
Genome position (GRCh38, 1-based): chr2:113,132,787, G>A. VCF-style: chr2-113132787-G-A. GRCh37 (hg19) VCF-style: chr2-113890364-G-A.
Other names: c.396G>A, p.Met132Ile (NM_000577.5); c.348G>A, p.Met116Ile (NM_001318914.2, NM_001379360.1, NM_173843.3); c.459G>A, p.Met153Ile (NM_173841.3); short protein forms M153I, M132I, M150I, M116I.
Identifiers: ClinVar variation 572852 (VCV000572852.9), dbSNP rs1453476284, ClinGen allele CA348296212.